The following is an entry in ClinVar:

NM_004281.4(BAG3):c.1181del (p.Glu394fs)

Gene: BAG3 (BAG cochaperone 3; plus strand). Cytogenetic location: 10q26.11.
Variant type: Deletion.
Coding change: c.1181del on transcript NM_004281.4 (MANE Select); coding-DNA position 1181, one base deleted (A; older notation c.1181delA).
Protein change: p.Glu394fs; shifts the reading frame from glutamic acid 394.
Molecular consequence: frameshift variant.
Genome position (GRCh38, 1-based): chr10:119,676,735, A deleted. VCF-style (leftmost placement, unchanged base first): chr10-119676734-GA-G. GRCh37 (hg19) VCF-style: chr10-121436246-GA-G.
Other names: short protein forms E394fs.
Identifiers: ClinVar variation 3474731 (VCV003474731.1).

ClinVar aggregate classification (germline): Pathogenic (1 of 4 stars; one submission).

Conditions:
Cardiovascular phenotype. Identifiers: MedGen CN230736.

Submission:

Ambry Genetics
Classification: Pathogenic for Cardiovascular phenotype. Last evaluated: 2024-08-15. Review status: criteria provided, single submitter. Criteria: Ambry Variant Classification Scheme 2023. Collection method: clinical testing. Allele origin: germline.
Comment: The c.1181delA pathogenic mutation, located in coding exon 4 of the BAG3 gene, results from a deletion of one nucleotide at nucleotide position 1181, causing a translational frameshift with a predicted alternate stop codon (p.E394Gfs*30). This alteration occurs at the 3' terminus of theBAG3 gene, is not expected to trigger nonsense-mediated mRNA decay, and impacts the last 31% of the protein. However, premature stop codons are typically deleterious in nature and the impacted region is critical for protein function (Ambry internal data). This variant is considered to be rare based on population cohorts in the Genome Aggregation Database (gnomAD). Based on the supporting evidence, this variant is interpreted as a disease-causing mutation.